The following is an entry in ClinVar:

ClinVar aggregate classification (germline): Conflicting classifications of pathogenicity. Review status: criteria provided, conflicting classifications (1 of 4 stars). 7 submissions from 7 submitters: Uncertain significance (6); Likely benign (1). Last evaluated 2025-01-12.

Conditions:
BRCA2-related cancer predisposition. Identifiers: MedGen CN377758, MONDO:0700269.
Hereditary cancer-predisposing syndrome. Also called: Tumor predisposition; Hereditary neoplastic syndrome; Neoplastic Syndromes, Hereditary; Hereditary Cancer Syndrome. Identifiers: Orphanet 140162, MedGen C0027672, MeSH D009386, MONDO:0015356.
Hereditary breast ovarian cancer syndrome. Also called: Breast and ovarian cancer; BRCA1- and BRCA2-Associated Hereditary Breast and Ovarian Cancer; Hereditary breast and ovarian cancer; Hereditary breast and/or ovarian cancer syndrome; Hereditary breast and ovarian cancer syndrome; Hereditary breast and ovarian cancer syndrome (HBOC). Identifiers: Orphanet 145, MedGen C0677776, MeSH D061325, MONDO:0003582. Disease mechanism: loss of function.
Breast-ovarian cancer, familial, susceptibility to, 2 (BROVCA2). Also called: BRCA2 Hereditary Breast and Ovarian Cancer. Identifiers: Orphanet 145, MedGen C2675520, MONDO:0012933, OMIM 612555. Disease mechanism: loss of function.

Allele frequency attached by ClinVar (database versions not stated): TOPMed below 0.00001.
gnomAD v4.1: 1 of 1,608,908 alleles (0.000062%); highest among the groups gnomAD compares: African/African-American, 0.0013%; no homozygotes.

Submissions (7):

Labcorp Genetics (formerly Invitae), Labcorp
Classification: Uncertain significance for Hereditary breast ovarian cancer syndrome. Last evaluated: 2025-01-12. Review status: criteria provided, single submitter. Criteria: Invitae Variant Classification Sherloc (09022015). Collection method: clinical testing. Allele origin: germline.
Comment: This sequence change replaces proline, which is neutral and non-polar, with histidine, which is basic and polar, at codon 2204 of the BRCA2 protein (p.Pro2204His). This variant is not present in population databases (gnomAD no frequency). This variant has not been reported in the literature in individuals affected with BRCA2-related conditions. ClinVar contains an entry for this variant (Variation ID: 928554). Invitae Evidence Modeling of protein sequence and biophysical properties (such as structural, functional, and spatial information, amino acid conservation, physicochemical variation, residue mobility, and thermodynamic stability) indicates that this missense variant is not expected to disrupt BRCA2 protein function with a negative predictive value of 95%. In summary, the available evidence is currently insufficient to determine the role of this variant in disease. Therefore, it has been classified as a Variant of Uncertain Significance.

All of Us Research Program, National Institutes of Health
Classification: Uncertain significance for BRCA2-related cancer predisposition. Last evaluated: 2024-03-24. Review status: criteria provided, single submitter. Criteria: ACMG Guidelines, 2015. Collection method: clinical testing. Allele origin: germline. Inheritance: Autosomal dominant inheritance. Observed: 1 variant allele, 1 heterozygote.
Comment: This missense variant replaces proline with histidine at codon 2204 of the BRCA2 protein. Computational prediction suggests that this variant may not impact protein structure and function (internally defined REVEL score threshold <= 0.5, PMID: 27666373). To our knowledge, functional studies have not been reported for this variant. This variant has not been reported in individuals affected with hereditary cancer in the literature. This variant has not been identified in the general population by the Genome Aggregation Database (gnomAD). The available evidence is insufficient to determine the role of this variant in disease conclusively. Therefore, this variant is classified as a Variant of Uncertain Significance.

This study involves interpretation of variants in research participants for the purpose of population health screening. Participant phenotype was not available at the time of variant classification. Additional details can be found in publication PMID: 35346344, PMCID: PMC8962531

Ambry Genetics
Classification: Uncertain significance for Hereditary cancer-predisposing syndrome. Last evaluated: 2024-02-23. Review status: criteria provided, single submitter. Criteria: Ambry Variant Classification Scheme 2023. Collection method: clinical testing. Allele origin: germline.
Comment: The p.P2204H variant (also known as c.6611C>A), located in coding exon 10 of the BRCA2 gene, results from a C to A substitution at nucleotide position 6611. The proline at codon 2204 is replaced by histidine, an amino acid with similar properties. This amino acid position is not well conserved in available vertebrate species. In addition, the in silico prediction for this alteration is inconclusive. Since supporting evidence is limited at this time, the clinical significance of this alteration remains unclear.

Color Diagnostics, LLC DBA Color Health
Classification: Uncertain significance for Hereditary cancer-predisposing syndrome. Last evaluated: 2024-02-15. Review status: criteria provided, single submitter. Criteria: ACMG Guidelines, 2015. Collection method: clinical testing. Allele origin: germline.
Comment: This missense variant replaces proline with histidine at codon 2204 of the BRCA2 protein. Computational prediction suggests that this variant may not impact protein structure and function. To our knowledge, functional studies have not been reported for this variant. This variant has not been reported in individuals affected with BRCA2-related disorders in the literature. This variant has not been identified in the general population by the Genome Aggregation Database (gnomAD). The available evidence is insufficient to determine the role of this variant in disease conclusively. Therefore, this variant is classified as a Variant of Uncertain Significance.

St. Jude Molecular Pathology, St. Jude Children's Research Hospital
Classification: Uncertain significance for Breast-ovarian cancer, familial, susceptibility to, 2. Last evaluated: 2023-09-08. Review status: criteria provided, single submitter. Criteria: St. Jude Assertion Criteria 2020. Collection method: clinical testing. Allele origin: germline.
Comment: The BRCA2 c.6611C>A (p.Pro2204His) missense change is absent in gnomAD v2.1.1. The in silico tool REVEL is inconclusive about a pathogenic or benign effect of this variant on protein function, and to our knowledge functional studies have not been performed. To our knowledge, this variant has not been reported in individuals with BRCA2-related disease. In summary, the evidence currently available is insufficient to determine the clinical significance of this variant. It has therefore been classified as of uncertain significance.

University of Washington Department of Laboratory Medicine, University of Washington
Classification: Likely benign for Hereditary cancer-predisposing syndrome. Last evaluated: 2023-03-23. Review status: criteria provided, single submitter. Criteria: Dines et al. (Genet Med. 2020). Collection method: curation. Allele origin: germline.
Comment: Missense variant in a coldspot region where missense variants are very unlikely to be pathogenic (PMID:31911673).

BRCA2 exon 11 coldspot. Reclassification based on statistical prior probability.

Women's Health and Genetics/Laboratory Corporation of America, LabCorp
Classification: Uncertain significance. Last evaluated: 2019-09-16. Review status: criteria provided, single submitter. Criteria: LabCorp Variant Classification Summary - May 2015. Collection method: clinical testing. Allele origin: germline.
Comment: Variant summary: BRCA2 c.6611C>A (p.Pro2204His) results in a non-conservative amino acid change in the encoded protein sequence. Three of five in-silico tools predict a damaging effect of the variant on protein function. The variant was absent in 245262 control chromosomes. The available data on variant occurrences in the general population are insufficient to allow any conclusion about variant significance. To our knowledge, no occurrence of c.6611C>A in individuals affected with Hereditary Breast and Ovarian Cancer and no experimental evidence demonstrating its impact on protein function have been reported. No clinical diagnostic laboratories have submitted clinical-significance assessments for this variant to ClinVar after 2014. Based on the evidence outlined above, the variant was classified as uncertain significance.

NM_000059.4(BRCA2):c.6611C>A (p.Pro2204His)

Gene: BRCA2 (BRCA2 DNA repair associated; plus strand). Cytogenetic location: 13q13.1.
Variant type: single nucleotide variant.
Coding change: c.6611C>A on transcript NM_000059.4 (MANE Select); coding-DNA position 6611, C replaced by A.
Protein change: p.Pro2204His; replaces proline 2204 with histidine.
Molecular consequence: missense variant.
Genome position (GRCh38, 1-based): chr13:32,340,966, C>A. VCF-style: chr13-32340966-C-A. GRCh37 (hg19) VCF-style: chr13-32915103-C-A.
Other names: short protein forms P2204H.
Identifiers: ClinVar variation 928554 (VCV000928554.17), dbSNP rs1555284771, ClinGen allele CA387790156.